The following is an entry in ClinVar:

NM_177438.3(DICER1):c.2567A>G (p.His856Arg)

Gene: DICER1 (dicer 1, ribonuclease III; minus strand). Cytogenetic location: 14q32.13.
Variant type: single nucleotide variant.
Coding change: c.2567A>G on transcript NM_177438.3 (MANE Select); coding-DNA position 2567, A replaced by G.
Protein change: p.His856Arg; replaces histidine 856 with arginine.
Molecular consequence: missense variant.
Genome position (GRCh38, 1-based): chr14:95,107,963, T>C on the plus strand (A>G on the coding strand, the complement: DICER1 is on the minus strand). VCF-style: chr14-95107963-T-C. GRCh37 (hg19) VCF-style: chr14-95574300-T-C.
Other names: c.2567A>G, p.His856Arg (NM_001195573.1, NM_001271282.3, NM_001291628.2 and 1 more transcripts); short protein forms H856R.
Identifiers: ClinVar variation 964142 (VCV000964142.13), dbSNP rs1891597329, ClinGen allele CA390881646.

ClinVar aggregate classification (germline): Uncertain significance. Review status: criteria provided, multiple submitters, no conflicts (2 of 4 stars). 2 submissions from 2 submitters: Uncertain significance (2). Last evaluated 2023-03-24.

Conditions:
DICER1-related tumor predisposition. Also called: DICER1 syndrome; DICER1-related pleuropulmonary blastoma cancer predisposition syndrome. Identifiers: Orphanet 284343, MedGen C3839822, MONDO:0100216.
Hereditary cancer-predisposing syndrome. Also called: Hereditary neoplastic syndrome; Tumor predisposition; Neoplastic Syndromes, Hereditary; Hereditary Cancer Syndrome. Identifiers: Orphanet 140162, MedGen C0027672, MeSH D009386, MONDO:0015356.

Submissions (2):

Labcorp Genetics (formerly Invitae), Labcorp
Classification: Uncertain significance for DICER1-related tumor predisposition. Last evaluated: 2023-03-24. Review status: criteria provided, single submitter. Criteria: Invitae Variant Classification Sherloc (09022015). Collection method: clinical testing. Allele origin: germline.
Comment: ClinVar contains an entry for this variant (Variation ID: 964142). In summary, the available evidence is currently insufficient to determine the role of this variant in disease. Therefore, it has been classified as a Variant of Uncertain Significance. Advanced modeling of protein sequence and biophysical properties (such as structural, functional, and spatial information, amino acid conservation, physicochemical variation, residue mobility, and thermodynamic stability) performed at Invitae indicates that this missense variant is not expected to disrupt DICER1 protein function. This variant has not been reported in the literature in individuals affected with DICER1-related conditions. This variant is not present in population databases (gnomAD no frequency). This sequence change replaces histidine, which is basic and polar, with arginine, which is basic and polar, at codon 856 of the DICER1 protein (p.His856Arg).

Ambry Genetics
Classification: Uncertain significance for Hereditary cancer-predisposing syndrome. Last evaluated: 2022-04-24. Review status: criteria provided, single submitter. Criteria: Ambry Variant Classification Scheme 2023. Collection method: clinical testing. Allele origin: germline.
Comment: The p.H856R variant (also known as c.2567A>G), located in coding exon 15 of the DICER1 gene, results from an A to G substitution at nucleotide position 2567. The histidine at codon 856 is replaced by arginine, an amino acid with highly similar properties. This amino acid position is conserved. In addition, this alteration is predicted to be deleterious by in silico analysis. Since supporting evidence is limited at this time, the clinical significance of this alteration remains unclear.